The following is an entry in ClinVar:

ClinVar aggregate classification (germline): Uncertain significance (1 of 4 stars; one submission).

Conditions:
Inborn genetic diseases. Identifiers: MedGen C0950123, MeSH D030342.

Submission:

Ambry Genetics
Classification: Uncertain significance for Inborn genetic diseases. Last evaluated: 2025-08-02. Review status: criteria provided, single submitter. Criteria: Ambry Variant Classification Scheme 2023. Collection method: clinical testing. Allele origin: germline.
Comment: The p.N840S variant (also known as c.2519A>G), located in coding exon 19 of the BUB1B gene, results from an A to G substitution at nucleotide position 2519. The asparagine at codon 840 is replaced by serine, an amino acid with highly similar properties. This amino acid position is conserved. In addition, this alteration is predicted to be tolerated by in silico analysis. Based on the available evidence, the clinical significance of this variant remains unclear.

NM_001211.6(BUB1B):c.2519A>G (p.Asn840Ser)

Gene: BUB1B (BUB1 mitotic checkpoint serine/threonine kinase B; plus strand). Cytogenetic location: 15q15.1.
Variant type: single nucleotide variant.
Coding change: c.2519A>G on transcript NM_001211.6 (MANE Select); coding-DNA position 2519, A replaced by G.
Protein change: p.Asn840Ser; replaces asparagine 840 with serine.
Molecular consequence: missense variant.
Genome position (GRCh38, 1-based): chr15:40,212,632, A>G. VCF-style: chr15-40212632-A-G. GRCh37 (hg19) VCF-style: chr15-40504833-A-G.
Other names: short protein forms N840S.
Identifiers: ClinVar variation 4216924 (VCV004216924.1).